The following is an entry in ClinVar:

NM_001271.4(CHD2):c.3456-19C>T

Gene: CHD2 (chromodomain helicase DNA binding protein 2; plus strand). Cytogenetic location: 15q26.1.
Variant type: single nucleotide variant.
Coding change: c.3456-19C>T on transcript NM_001271.4 (MANE Select); 19 bases into the intron before coding-DNA position 3456, C replaced by T.
Molecular consequence: intron variant.
Genome position (GRCh38, 1-based): chr15:92,992,840, C>T. VCF-style: chr15-92992840-C-T. GRCh37 (hg19) VCF-style: chr15-93536070-C-T.
Identifiers: ClinVar variation 390290 (VCV000390290.9), dbSNP rs780531827, ClinGen allele CA7748233.

ClinVar aggregate classification (germline): Likely benign. Review status: criteria provided, multiple submitters, no conflicts (2 of 4 stars). 2 submissions from 2 submitters: Likely benign (2). Last evaluated 2024-02-17.

Conditions:
Developmental and epileptic encephalopathy 94 (DEE94). Also called: Epileptic encephalopathy, childhood-onset; CHD2-Related Neurodevelopmental Disorders. Identifiers: Orphanet 1942, Orphanet 2382, MedGen C3809278, MONDO:0014150, OMIM 615369.

Allele frequency attached by ClinVar (database versions not stated): gnomAD exomes below 0.00001 and 0.00002; gnomAD 0.00001; TOPMed 0.00001; ExAC 0.00002.
gnomAD v4.1: 33 of 1,610,864 alleles (0.002%); highest among the groups gnomAD compares: Admixed American, 0.0033%; no homozygotes.

Submissions (2):

Labcorp Genetics (formerly Invitae), Labcorp
Classification: Likely benign for Developmental and epileptic encephalopathy 94. Last evaluated: 2024-02-17. Review status: criteria provided, single submitter. Criteria: Invitae Variant Classification Sherloc (09022015). Collection method: clinical testing. Allele origin: germline.

GeneDx
Classification: Likely benign. Last evaluated: 2016-11-02. Review status: criteria provided, single submitter. Criteria: GeneDx Variant Classification (06012015). Collection method: clinical testing. Allele origin: germline. Affected: yes.
Comment: This variant is considered likely benign or benign based on one or more of the following criteria: it is a conservative change, it occurs at a poorly conserved position in the protein, it is predicted to be benign by multiple in silico algorithms, and/or has population frequency not consistent with disease.